The following is an entry in ClinVar:

ClinVar aggregate classification (germline): Conflicting classifications of pathogenicity. Review status: criteria provided, conflicting classifications (1 of 4 stars). 2 submissions from 2 submitters: Uncertain significance (1); Likely benign (1). Last evaluated 2026-02-26.

Conditions:
HDAC4-related disorder. Also called: HDAC4-related condition.
Inborn genetic diseases. Identifiers: MedGen C0950123, MeSH D030342.

Allele frequency attached by ClinVar (database versions not stated): TOPMed 0.00003; gnomAD 0.00004; ExAC 0.00011.
gnomAD v4.1: 43 of 1,612,318 alleles (0.0027%); highest among the groups gnomAD compares: Admixed American, 0.072%; no homozygotes.

Submissions (2):

PreventionGenetics, part of Exact Sciences
Classification: Likely benign for HDAC4-related condition. Last evaluated: 2026-02-26. Review status: criteria provided, single submitter. Criteria: ACMG Guidelines, 2015. Collection method: clinical testing. Allele origin: germline.
Comment: This variant is classified as likely benign based on ACMG/AMP sequence variant interpretation guidelines (Richards et al. 2015 PMID: 25741868, with internal and published modifications).

Ambry Genetics
Classification: Uncertain significance for Inborn genetic diseases. Last evaluated: 2021-12-02. Review status: criteria provided, single submitter. Criteria: Ambry Variant Classification Scheme 2023. Collection method: clinical testing. Allele origin: germline.

NM_001378414.1(HDAC4):c.1942G>C (p.Val648Leu)

Gene: HDAC4 (histone deacetylase 4; minus strand). Cytogenetic location: 2q37.3.
Variant type: single nucleotide variant.
Coding change: c.1942G>C on transcript NM_001378414.1 (MANE Select); coding-DNA position 1942, G replaced by C.
Protein change: p.Val648Leu; replaces valine 648 with leucine.
Molecular consequence: missense variant.
Genome position (GRCh38, 1-based): chr2:239,111,562, C>G on the plus strand (G>C on the coding strand, the complement: HDAC4 is on the minus strand). VCF-style: chr2-239111562-C-G. GRCh37 (hg19) VCF-style: chr2-240033258-C-G.
Other names: c.1942G>C, p.Val648Leu (NM_001378415.1); c.1927G>C, p.Val643Leu (NM_001378416.1, NM_001378417.1, NM_006037.4); short protein forms V643L, V648L.
Identifiers: ClinVar variation 2397849 (VCV002397849.3), dbSNP rs748286926, ClinGen allele CA2199639.